The following is an entry in ClinVar:

ClinVar aggregate classification (germline): Uncertain significance. Review status: criteria provided, multiple submitters, no conflicts (2 of 4 stars). 2 submissions from 2 submitters: Uncertain significance (2). Last evaluated 2022-10-09.

Conditions:
Postaxial polydactyly-anterior pituitary anomalies-facial dysmorphism syndrome. Also called: Culler-Jones syndrome. Identifiers: Orphanet 420584, MedGen C4014479, MONDO:0014369, OMIM 615849.
Holoprosencephaly 9 (HPE9). Also called: PITUITARY ANOMALIES WITH HOLOPROSENCEPHALY-LIKE FEATURES; HOLOPROSENCEPHALY WITH MICROPHTHALMIA AND FIRST BRANCHIAL ARCH ANOMALIES. Identifiers: Orphanet 2162, MedGen C1835819, MONDO:0012563, OMIM 610829.
Inborn genetic diseases. Identifiers: MedGen C0950123, MeSH D030342.

Allele frequency attached by ClinVar (database versions not stated): gnomAD exomes 0.00002; ESP Exome Variant Server 0.00008; gnomAD 0.00011; TOPMed 0.00015.
gnomAD v4.1: 43 of 1,613,998 alleles (0.0027%); highest among the groups gnomAD compares: African/African-American, 0.053%; no homozygotes.

Submissions (2):

Labcorp Genetics (formerly Invitae), Labcorp
Classification: Uncertain significance for Postaxial polydactyly-anterior pituitary anomalies-facial dysmorphism syndrome; Holoprosencephaly 9. Last evaluated: 2022-10-09. Review status: criteria provided, single submitter. Criteria: Invitae Variant Classification Sherloc (09022015). Collection method: clinical testing. Allele origin: germline.
Comment: This variant is present in population databases (rs377150486, gnomAD 0.03%). This sequence change replaces methionine, which is neutral and non-polar, with valine, which is neutral and non-polar, at codon 329 of the GLI2 protein (p.Met329Val). This variant has not been reported in the literature in individuals affected with GLI2-related conditions. In summary, the available evidence is currently insufficient to determine the role of this variant in disease. Therefore, it has been classified as a Variant of Uncertain Significance. Advanced modeling of protein sequence and biophysical properties (such as structural, functional, and spatial information, amino acid conservation, physicochemical variation, residue mobility, and thermodynamic stability) performed at Invitae indicates that this missense variant is not expected to disrupt GLI2 protein function.

Ambry Genetics
Classification: Uncertain significance for Inborn genetic diseases. Last evaluated: 2021-01-27. Review status: criteria provided, single submitter. Criteria: Ambry Variant Classification Scheme 2023. Collection method: clinical testing. Allele origin: germline.
Comment: The c.985A>G (p.M329V) alteration is located in exon 6 (coding exon 6) of the GLI2 gene. This alteration results from a A to G substitution at nucleotide position 985, causing the methionine (M) at amino acid position 329 to be replaced by a valine (V). The p.M329V alteration is predicted to be tolerated by in silico analysis. Based on insufficient or conflicting evidence, the clinical significance of this alteration remains unclear.

NM_001374353.1(GLI2):c.985A>G (p.Met329Val)

Gene: GLI2 (GLI family zinc finger 2; plus strand). Cytogenetic location: 2q14.2.
Variant type: single nucleotide variant.
Coding change: c.985A>G on transcript NM_001374353.1 (MANE Select); coding-DNA position 985, A replaced by G.
Protein change: p.Met329Val; replaces methionine 329 with valine.
Molecular consequence: missense variant.
Genome position (GRCh38, 1-based): chr2:120,970,532, A>G. VCF-style: chr2-120970532-A-G. GRCh37 (hg19) VCF-style: chr2-121728108-A-G.
Other names: c.985A>G, p.Met329Val (NM_001371271.1, NM_005270.5); c.610A>G, p.Met204Val (NM_001374354.1); c.985A>G (NM_005270.4); short protein forms M204V, M329V.
Identifiers: ClinVar variation 2387426 (VCV002387426.8), dbSNP rs377150486, ClinGen allele CA1851725.
Genomic context (GRCh38, chr2:120,970,532, plus strand): 5'-GCCTTTGGACACACACCACCCCTGATCCAGCCCTCACCCACCTTCCTGGCCCAGCAGCCC[A>G]TGGCCCTCACCTCCATCAATGCCACGCCCACCCAGCTCAGCAGCAGCAGCAACTGTCTGA-3'
Protein context (NP_001361282.1, residues 319-339): PSPTFLAQQP[Met329Val]ALTSINATPT